The following is an entry in ClinVar:

ClinVar aggregate classification (germline): Benign/Likely benign. Review status: criteria provided, multiple submitters, no conflicts (2 of 4 stars). 4 submissions from 4 submitters: Benign (1); Likely benign (3). Last evaluated 2024-12-18.

Conditions:
Hereditary nonpolyposis colorectal neoplasms. Identifiers: MedGen C0009405, MeSH D003123.
Hereditary cancer-predisposing syndrome. Also called: Tumor predisposition; Hereditary Cancer Syndrome; Hereditary neoplastic syndrome; Neoplastic Syndromes, Hereditary. Identifiers: Orphanet 140162, MedGen C0027672, MeSH D009386, MONDO:0015356.
Lynch syndrome 5 (LYNCH5). Also called: Colorectal cancer, hereditary nonpolyposis, type 5; Hereditary non-polyposis colorectal cancer, type 5. Identifiers: Orphanet 144, MedGen C1833477, MONDO:0013710, OMIM 614350. Disease mechanism: loss of function.

Submissions (4):

Myriad Genetics, Inc.
Classification: Benign for Lynch syndrome 5. Last evaluated: 2024-12-18. Review status: criteria provided, single submitter. Criteria: Myriad Autosomal Dominant, Autosomal Recessive and X-Linked Classification Criteria (2023). Collection method: clinical testing. Allele origin: unknown.
Comment: This variant is considered benign. This variant is a silent/synonymous amino acid change and it is not expected to impact splicing.

Labcorp Genetics (formerly Invitae), Labcorp
Classification: Likely benign for Hereditary nonpolyposis colorectal neoplasms. Last evaluated: 2024-02-20. Review status: criteria provided, single submitter. Criteria: Invitae Variant Classification Sherloc (09022015). Collection method: clinical testing. Allele origin: germline.

Mendelics
Classification: Likely benign for Lynch syndrome 5. Last evaluated: 2019-05-28. Review status: criteria provided, single submitter. Criteria: Mendelics Assertion Criteria 2017. Collection method: clinical testing. Allele origin: unknown.

Ambry Genetics
Classification: Likely benign for Hereditary cancer-predisposing syndrome. Last evaluated: 2018-09-25. Review status: criteria provided, single submitter. Criteria: Ambry Variant Classification Scheme 2023. Collection method: clinical testing. Allele origin: germline.

NM_000179.3(MSH6):c.423C>G (p.Gly141=)

Gene: MSH6 (mutS homolog 6; plus strand). Cytogenetic location: 2p16.3.
Variant type: single nucleotide variant.
Coding change: c.423C>G on transcript NM_000179.3 (MANE Select); coding-DNA position 423, C replaced by G.
Protein change: p.Gly141=; no amino-acid change (glycine 141 retained).
Molecular consequence: synonymous variant. On other transcripts: 5 prime UTR variant (2), intron variant (1).
Genome position (GRCh38, 1-based): chr2:47,791,089, C>G. VCF-style: chr2-47791089-C-G. GRCh37 (hg19) VCF-style: chr2-48018228-C-G.
Other names: c.-314C>G (NM_001281493.2); c.-480C>G (NM_001281494.2); c.238-7522C>G (NM_001281492.2).
Identifiers: ClinVar variation 184099 (VCV000184099.13), dbSNP rs777587467, ClinGen allele CA015480.